The following is an entry in ClinVar:

ClinVar aggregate classification (germline): Likely benign. Review status: criteria provided, single submitter (1 of 4 stars). 2 submissions from 2 submitters: Likely benign (1). 1 of the submissions does not count toward it. Last evaluated 2024-10-18.

Conditions:
FAM83H-related disorder. Also called: FAM83H-related condition.

Submissions (2):

Blueprint Genetics
Classification: Likely benign. Last evaluated: 2024-10-18. Review status: criteria provided, single submitter. Criteria: ACMG Guidelines, 2015. Collection method: clinical testing. Allele origin: germline.

PreventionGenetics, part of Exact Sciences
Classification: Benign for FAM83H-related condition. Last evaluated: 2020-02-19. Review status: no assertion criteria provided. Collection method: clinical testing. Allele origin: germline. Not counted in ClinVar's aggregate classification.
Comment: This variant is classified as benign based on ACMG/AMP sequence variant interpretation guidelines (Richards et al. 2015 PMID: 25741868, with internal and published modifications).

NM_198488.5(SACK1H):c.2770_2802del (p.Ser924_Arg934del)

Gene: SACK1H (scaffolding CK1 anchoring protein H; minus strand). Cytogenetic location: 8q24.3.
Variant type: Deletion.
Coding change: c.2770_2802del on transcript NM_198488.5 (MANE Select); coding-DNA positions 2770 to 2802, 33 bases deleted.
Protein change: p.Ser924_Arg934del.
Genome position (GRCh38, 1-based): chr8:143,726,659-143,726,691, 33 bases deleted; deleting any 33 consecutive bases within chr8:143,726,659-143,726,721 gives the same sequence; the c. name uses the placement nearest the transcript's 3' end. GRCh37 (hg19): chr8:144,808,859-144,808,891.
Identifiers: ClinVar variation 3040916 (VCV003040916.3), dbSNP rs782307861, ClinGen allele CA4917122.
Genomic context (GRCh38, chr8:143,726,658, plus strand): 5'-GCCCCTCCTCCGCGGGCCCGGCCTTCGGGGACTCCCCGGAGATGGTAAGGGTGAGGCTGC[CCCTGCGCTCCGGCACGGGGGGCACCGGACTGCT>C]CCTGCGCTCCGGCACGGGGGGCACCGGACTACCCCTGCGCTCGGGGTAGGCTGAGGTGGG-3'